The following is an entry in ClinVar:

ClinVar aggregate classification (germline): Uncertain significance. Review status: criteria provided, multiple submitters, no conflicts (2 of 4 stars). 2 submissions from 2 submitters: Uncertain significance (2). Last evaluated 2024-12-30.

Conditions:
Inborn genetic diseases. Identifiers: MedGen C0950123, MeSH D030342.

Allele frequency attached by ClinVar (database versions not stated): gnomAD exomes 0.00002; gnomAD 0.00004; TOPMed 0.00004; ExAC 0.00003.
gnomAD v4.1: 18 of 1,613,824 alleles (0.0011%); highest among the groups gnomAD compares: Admixed American, 0.0083%; no homozygotes.

Submissions (2):

Ambry Genetics
Classification: Uncertain significance for Inborn genetic diseases. Last evaluated: 2024-12-30. Review status: criteria provided, single submitter. Criteria: Ambry Variant Classification Scheme 2023. Collection method: clinical testing. Allele origin: germline.

Labcorp Genetics (formerly Invitae), Labcorp
Classification: Uncertain significance. Last evaluated: 2024-10-15. Review status: criteria provided, single submitter. Criteria: Invitae Variant Classification Sherloc (09022015). Collection method: clinical testing. Allele origin: germline.
Comment: This sequence change replaces glutamic acid, which is acidic and polar, with lysine, which is basic and polar, at codon 559 of the TUBGCP6 protein (p.Glu559Lys). This variant is present in population databases (rs774449863, gnomAD 0.01%). This variant has not been reported in the literature in individuals affected with TUBGCP6-related conditions. ClinVar contains an entry for this variant (Variation ID: 1038343). An algorithm developed to predict the effect of missense changes on protein structure and function (PolyPhen-2) suggests that this variant¬†is likely to be tolerated. In summary, the available evidence is currently insufficient to determine the role of this variant in disease. Therefore, it has been classified as a Variant of Uncertain Significance.

NM_020461.4(TUBGCP6):c.1675G>A (p.Glu559Lys)

Gene: TUBGCP6 (tubulin gamma complex component 6; minus strand). Cytogenetic location: 22q13.33.
Variant type: single nucleotide variant.
Coding change: c.1675G>A on transcript NM_020461.4 (MANE Select); coding-DNA position 1675, G replaced by A.
Protein change: p.Glu559Lys; replaces glutamic acid 559 with lysine.
Molecular consequence: missense variant.
Genome position (GRCh38, 1-based): chr22:50,226,305, C>T on the plus strand (G>A on the coding strand, the complement: TUBGCP6 is on the minus strand). VCF-style: chr22-50226305-C-T. GRCh37 (hg19) VCF-style: chr22-50664734-C-T.
Other names: c.1675G>A (NM_020461.3); short protein forms E559K.
Identifiers: ClinVar variation 1038343 (VCV001038343.6), dbSNP rs774449863, ClinGen allele CA10308565.